The following is an entry in ClinVar:

ClinVar aggregate classification (germline): Uncertain significance. Review status: criteria provided, multiple submitters, no conflicts (2 of 4 stars). 3 submissions from 3 submitters: Uncertain significance (3). Last evaluated 2024-08-27.

Conditions:
Dyskeratosis congenita. Identifiers: Orphanet 1775, MedGen C0265965, MONDO:0015780.
Cerebroretinal microangiopathy with calcifications and cysts 1 (CRMCC1). Identifiers: Orphanet 313838, MedGen C4552029, MONDO:0024564, OMIM 612199.

Allele frequency attached by ClinVar (database versions not stated): gnomAD exomes below 0.00001; TOPMed 0.00001.
gnomAD v4.1: 6 of 1,614,004 alleles (0.00037%); highest among the groups gnomAD compares: Non-Finnish European, 0.00051%; no homozygotes.

Submissions (3):

Labcorp Genetics (formerly Invitae), Labcorp
Classification: Uncertain significance for Dyskeratosis congenita. Last evaluated: 2024-08-27. Review status: criteria provided, single submitter. Criteria: Invitae Variant Classification Sherloc (09022015). Collection method: clinical testing. Allele origin: germline.
Comment: This sequence change replaces proline, which is neutral and non-polar, with serine, which is neutral and polar, at codon 168 of the CTC1 protein (p.Pro168Ser). This variant is not present in population databases (gnomAD no frequency). This missense change has been observed in individual(s) with developmental disorder (PMID: 3057194, 35982159). ClinVar contains an entry for this variant (Variation ID: 661461). Invitae Evidence Modeling of protein sequence and biophysical properties (such as structural, functional, and spatial information, amino acid conservation, physicochemical variation, residue mobility, and thermodynamic stability) indicates that this missense variant is not expected to disrupt CTC1 protein function with a negative predictive value of 80%. In summary, the available evidence is currently insufficient to determine the role of this variant in disease. Therefore, it has been classified as a Variant of Uncertain Significance.

Genome-Nilou Lab
Classification: Uncertain significance for Cerebroretinal microangiopathy with calcifications and cysts 1. Last evaluated: 2021-07-15. Review status: criteria provided, single submitter. Criteria: ACMG Guidelines, 2015. Collection method: clinical testing. Allele origin: germline. Affected: no.

GeneDx
Classification: Uncertain significance. Last evaluated: 2021-01-12. Review status: criteria provided, single submitter. Criteria: GeneDx Variant Classification Process June 2021. Collection method: clinical testing. Allele origin: germline. Affected: yes.
Comment: Not observed in large population cohorts (Lek et al., 2016); In silico analysis supports that this missense variant has a deleterious effect on protein structure/function; Has not been previously published as pathogenic or benign to our knowledge

Literature cited by the submitters: PubMed 3057194 (cited by Labcorp Genetics (formerly Invitae), Labcorp); PubMed 35982159 (cited by Labcorp Genetics (formerly Invitae), Labcorp).

NM_025099.6(CTC1):c.502C>T (p.Pro168Ser)

Gene: CTC1 (CST telomere replication complex component 1; minus strand). Cytogenetic location: 17p13.1.
Variant type: single nucleotide variant.
Coding change: c.502C>T on transcript NM_025099.6 (MANE Select); coding-DNA position 502, C replaced by T.
Protein change: p.Pro168Ser; replaces proline 168 with serine.
Molecular consequence: missense variant. On other transcripts: non-coding transcript variant (1).
Genome position (GRCh38, 1-based): chr17:8,238,176, G>A on the plus strand (C>T on the coding strand, the complement: CTC1 is on the minus strand). VCF-style: chr17-8238176-G-A. GRCh37 (hg19) VCF-style: chr17-8141494-G-A.
Other names: short protein forms P168S.
Identifiers: ClinVar variation 661461 (VCV000661461.10), dbSNP rs1385087993, ClinGen allele CA397992797.